The following is an entry in ClinVar:

ClinVar aggregate classification (germline): Pathogenic (1 of 4 stars; one submission).

Submission:

Labcorp Genetics (formerly Invitae), Labcorp
Classification: Pathogenic. Last evaluated: 2023-11-27. Review status: criteria provided, single submitter. Criteria: Invitae Variant Classification Sherloc (09022015). Collection method: clinical testing. Allele origin: germline.
Comment: This sequence change creates a premature translational stop signal (p.Thr428Argfs*4) in the CTNNB1 gene. It is expected to result in an absent or disrupted protein product. Loss-of-function variants in CTNNB1 are known to be pathogenic (PMID: 23033978, 24614104, 25326669, 26350204, 28575650). This variant is not present in population databases (gnomAD no frequency). This variant has not been reported in the literature in individuals affected with CTNNB1-related conditions. ClinVar contains an entry for this variant (Variation ID: 1404757). For these reasons, this variant has been classified as Pathogenic.

Literature cited by the submitters: PubMed 23033978; PubMed 24614104; PubMed 25326669; PubMed 26350204; PubMed 28575650.

NM_001904.4(CTNNB1):c.1283_1298del (p.Thr428fs)

Genes: CTNNB1 (catenin beta 1; plus strand), LOC126806659 (BRD4-independent group 4 enhancer GRCh37_chr3:41274918-41276117; plus strand). Cytogenetic location: 3p22.1.
Variant type: Deletion.
Coding change: c.1283_1298del on transcript NM_001904.4 (MANE Select); coding-DNA positions 1283 to 1298, 16 bases deleted (CTTGCAATAATTATAA).
Protein change: p.Thr428fs; shifts the reading frame from threonine 428.
Molecular consequence: frameshift variant.
Genome position (GRCh38, 1-based): chr3:41,233,626-41,233,641, CTTGCAATAATTATAA deleted; deleting any 16 consecutive bases within chr3:41,233,625-41,233,641 gives the same sequence; the c. name uses the placement nearest the transcript's 3' end. VCF-style (leftmost placement, unchanged base first): chr3-41233624-CACTTGCAATAATTATA-C. GRCh37 (hg19) VCF-style: chr3-41275115-CACTTGCAATAATTATA-C.
Other names: c.1283_1298del, p.Thr428fs (NM_001098209.2, NM_001098210.2); c.1262_1277del, p.Thr421fs (NM_001330729.2); short protein forms T421fs, T428fs.
Identifiers: ClinVar variation 1404757 (VCV001404757.6), dbSNP rs2125639278, ClinGen allele CA2573136939.
Genomic context (GRCh38, chr3:41,233,624, plus strand): 5'-GCTTCTGGGTTCAGATGATATAAATGTGGTCACCTGTGCAGCTGGAATTCTTTCTAACCT[CACTTGCAATAATTATA>C]AGAACAAGATGATGGTCTGCCAAGTGGGTGGTATAGAGGCTCTTGTGCGTACTGTCCTTC-3'